The following is an entry in ClinVar:

NM_017849.4(TMEM127):c.167T>A (p.Ile56Asn)

Gene: TMEM127 (transmembrane protein 127; minus strand). Cytogenetic location: 2q11.2.
Variant type: single nucleotide variant.
Coding change: c.167T>A on transcript NM_017849.4 (MANE Select); coding-DNA position 167, T replaced by A.
Protein change: p.Ile56Asn; replaces isoleucine 56 with asparagine.
Molecular consequence: missense variant.
Genome position (GRCh38, 1-based): chr2:96,265,215, A>T on the plus strand (T>A on the coding strand, the complement: TMEM127 is on the minus strand). VCF-style: chr2-96265215-A-T. GRCh37 (hg19) VCF-style: chr2-96930953-A-T.
Other names: c.167T>A, p.Ile56Asn (NM_001193304.3); short protein forms I56N.
Identifiers: ClinVar variation 845072 (VCV000845072.11), dbSNP rs1177862234, ClinGen allele CA347655981.

ClinVar aggregate classification (germline): Uncertain significance. Review status: criteria provided, multiple submitters, no conflicts (2 of 4 stars). 2 submissions from 2 submitters: Uncertain significance (2). Last evaluated 2023-06-24.

Conditions:
Hereditary cancer-predisposing syndrome. Also called: Hereditary Cancer Syndrome; Tumor predisposition; Neoplastic Syndromes, Hereditary; Hereditary neoplastic syndrome. Identifiers: Orphanet 140162, MedGen C0027672, MeSH D009386, MONDO:0015356.
Hereditary pheochromocytoma and paraganglioma. Also called: Hereditary pheochromocytoma-paraganglioma; Hereditary paragangliomas and pheochromocytomas; Hereditary Paraganglioma-Pheochromocytoma Syndromes. Identifiers: Orphanet 29072, MedGen C4274332, MONDO:0017366.

Allele frequency attached by ClinVar (database versions not stated): gnomAD exomes below 0.00001.
gnomAD v4.1: 1 of 1,606,498 alleles (0.000062%); highest among the groups gnomAD compares: Non-Finnish European, 0.000085%; no homozygotes.

Submissions (2):

Ambry Genetics
Classification: Uncertain significance for Hereditary cancer-predisposing syndrome. Last evaluated: 2023-06-24. Review status: criteria provided, single submitter. Criteria: Ambry Variant Classification Scheme 2023. Collection method: clinical testing. Allele origin: germline.
Comment: The p.I56N variant (also known as c.167T>A), located in coding exon 1 of the TMEM127 gene, results from a T to A substitution at nucleotide position 167. The isoleucine at codon 56 is replaced by asparagine, an amino acid with dissimilar properties. This amino acid position is conserved. In addition, the in silico prediction for this alteration is inconclusive. Since supporting evidence is limited at this time, the clinical significance of this alteration remains unclear.

Labcorp Genetics (formerly Invitae), Labcorp
Classification: Uncertain significance for Hereditary pheochromocytoma and paraganglioma. Last evaluated: 2019-03-07. Review status: criteria provided, single submitter. Criteria: Invitae Variant Classification Sherloc (09022015). Collection method: clinical testing. Allele origin: germline.
Comment: In summary, the available evidence is currently insufficient to determine the role of this variant in disease. Therefore, it has been classified as a Variant of Uncertain Significance. Algorithms developed to predict the effect of missense changes on protein structure and function are either unavailable or do not agree on the potential impact of this missense change (SIFT: "Deleterious"; PolyPhen-2: "Benign"; Align-GVGD: "Class C0"). This variant has not been reported in the literature in individuals with TMEM127-related conditions. This variant is not present in population databases (ExAC no frequency). This sequence change replaces isoleucine with asparagine at codon 56 of the TMEM127 protein (p.Ile56Asn). The isoleucine residue is moderately conserved and there is a large physicochemical difference between isoleucine and asparagine.